The following is an entry in ClinVar:

NM_001370259.2(MEN1):c.496C>G (p.Gln166Glu)

Gene: MEN1 (menin 1; minus strand). Cytogenetic location: 11q13.1.
Variant type: single nucleotide variant.
Coding change: c.496C>G on transcript NM_001370259.2 (MANE Select); coding-DNA position 496, C replaced by G.
Protein change: p.Gln166Glu; replaces glutamine 166 with glutamic acid.
Molecular consequence: missense variant.
Genome position (GRCh38, 1-based): chr11:64,808,049, G>C on the plus strand (C>G on the coding strand, the complement: MEN1 is on the minus strand). VCF-style: chr11-64808049-G-C. GRCh37 (hg19) VCF-style: chr11-64575521-G-C.
Other names: c.511C>G, p.Gln171Glu (NM_000244.4, NM_130800.3, NM_130803.3 and 3 more transcripts); c.496C>G, p.Gln166Glu (NM_001370251.2, NM_001370262.2, NM_001370263.2 and 3 more transcripts); short protein forms Q166E, Q171E.
Identifiers: ClinVar variation 1487630 (VCV001487630.6), dbSNP rs1565648511, ClinGen allele CA381186094.

ClinVar aggregate classification (germline): Uncertain significance (1 of 4 stars; one submission).

Conditions:
Multiple endocrine neoplasia, type 1 (MEN1). Also called: MEN I; WERMER SYNDROME; Endocrine adenomatosis multiple; MEN 1; MEA I. Identifiers: Orphanet 652, MedGen C0025267, MeSH D018761, MONDO:0007540, OMIM 131100.

Submission:

Labcorp Genetics (formerly Invitae), Labcorp
Classification: Uncertain significance for Multiple endocrine neoplasia, type 1. Last evaluated: 2023-11-15. Review status: criteria provided, single submitter. Criteria: Invitae Variant Classification Sherloc (09022015). Collection method: clinical testing. Allele origin: germline.
Comment: This sequence change replaces glutamine, which is neutral and polar, with glutamic acid, which is acidic and polar, at codon 166 of the MEN1 protein (p.Gln166Glu). This variant is not present in population databases (gnomAD no frequency). This variant has not been reported in the literature in individuals affected with MEN1-related conditions. ClinVar contains an entry for this variant (Variation ID: 1487630). Advanced modeling of protein sequence and biophysical properties (such as structural, functional, and spatial information, amino acid conservation, physicochemical variation, residue mobility, and thermodynamic stability) performed at Invitae indicates that this missense variant is expected to disrupt MEN1 protein function with a positive predictive value of 95%. In summary, the available evidence is currently insufficient to determine the role of this variant in disease. Therefore, it has been classified as a Variant of Uncertain Significance.